The following is an entry in ClinVar:

ClinVar aggregate classification (germline): Uncertain significance (1 of 4 stars; one submission).

Conditions:
Hereditary cancer-predisposing syndrome. Also called: Neoplastic Syndromes, Hereditary; Tumor predisposition; Hereditary Cancer Syndrome; Hereditary neoplastic syndrome. Identifiers: Orphanet 140162, MedGen C0027672, MeSH D009386, MONDO:0015356.

Submission:

Ambry Genetics
Classification: Uncertain significance for Hereditary cancer-predisposing syndrome. Last evaluated: 2019-11-01. Review status: criteria provided, single submitter. Criteria: Ambry Variant Classification Scheme 2023. Collection method: clinical testing. Allele origin: germline.
Comment: The p.R848G variant (also known as c.2542A>G), located in coding exon 15 of the DICER1 gene, results from an A to G substitution at nucleotide position 2542. The arginine at codon 848 is replaced by glycine, an amino acid with dissimilar properties. This amino acid position is highly conserved in available vertebrate species. In addition, this alteration is predicted to be deleterious by in silico analysis. Since supporting evidence is limited at this time, the clinical significance of this alteration remains unclear.

NM_177438.3(DICER1):c.2542A>G (p.Arg848Gly)

Gene: DICER1 (dicer 1, ribonuclease III; minus strand). Cytogenetic location: 14q32.13.
Variant type: single nucleotide variant.
Coding change: c.2542A>G on transcript NM_177438.3 (MANE Select); coding-DNA position 2542, A replaced by G.
Protein change: p.Arg848Gly; replaces arginine 848 with glycine.
Molecular consequence: missense variant.
Genome position (GRCh38, 1-based): chr14:95,107,988, T>C on the plus strand (A>G on the coding strand, the complement: DICER1 is on the minus strand). VCF-style: chr14-95107988-T-C. GRCh37 (hg19) VCF-style: chr14-95574325-T-C.
Other names: c.2542A>G, p.Arg848Gly (NM_001195573.1, NM_001271282.3, NM_001291628.2 and 1 more transcripts); short protein forms R848G.
Identifiers: ClinVar variation 821446 (VCV000821446.4), dbSNP rs1595380469, ClinGen allele CA390881785.